The following is an entry in ClinVar:

ClinVar aggregate classification (germline): Pathogenic. Review status: criteria provided, multiple submitters, no conflicts (2 of 4 stars). 9 submissions from 9 submitters: Pathogenic (9). Last evaluated 2026-08-03.

Conditions:
CNGA3-related disorder. Also called: CNGA3-related condition.
CNGA3-related disorders.
Retinal dystrophy. Also called: Inherited retinal dystrophy. Identifiers: Orphanet 71862, MedGen C0854723, MeSH D058499, MONDO:0019118, HP:0000556.
Achromatopsia 2 (ACHM2). Also called: ROD MONOCHROMACY 2; ROD MONOCHROMATISM 2; COLORBLINDNESS, TOTAL. Identifiers: Orphanet 49382, MedGen C1857618, MONDO:0009003, OMIM 216900.

Allele frequency attached by ClinVar (database versions not stated): ESP Exome Variant Server 0.00015; ExAC 0.00016; gnomAD exomes 0.00016 and 0.00028; gnomAD 0.00017 and 0.00019; TOPMed 0.00020.
gnomAD v4.1: 423 of 1,614,034 alleles (0.026%); highest among the groups gnomAD compares: Non-Finnish European, 0.033%; no homozygotes.

Submissions (9):

PreventionGenetics, part of Exact Sciences
Classification: Pathogenic for CNGA3-related condition. Last evaluated: 2026-08-03. Review status: criteria provided, single submitter. Criteria: ACMG Guidelines, 2015. Collection method: clinical testing. Allele origin: germline.
Comment: The CNGA3 c.1694C>T variant is predicted to result in the amino acid substitution p.Thr565Met. This variant has been reported in the compound heterozygous state in individuals with achromatopsia (Wissinger et al. 2001. PubMed ID: 11536077; Yang et al. 2014. PubMed ID: 24676353), and an individual with oligocone trichromacy (Vincent et al. 2011. PubMed ID: 21268679). This variant has also been reported in the absence of a second causative variant in a patient with progressive cone dystrophy (Thiadens et al. 2010. PubMed ID: 20079539). A functional study using expression of the protein in cell culture found that the p.Thr565Met variant results in reduced protein activity (Muraki-Oda et al. 2007. PubMed ID: 17693388). This variant is present in 0.030% of alleles in individuals of European (Non-Finnish) descent in gnomAD. This variant has been classified as pathogenic by multiple independent submitters to the ClinVar database (ID: 867082). Given the evidence, we interpret this variant as pathogenic.

Dasa
Classification: Pathogenic. Last evaluated: 2025-12-19. Review status: criteria provided, single submitter. Criteria: DASA Assertion Criteria. Collection method: clinical testing. Allele origin: germline.
Comment: NM_001298.3(CNGA3):c.1694C>T (p.Thr565Met) is a missense variant that results in the substitution of threonine with methionine. This variant has been observed in affected individuals with related phenotype in a genotype context consistent with recessive disease (PMID: 24148654; PMID: 24676353; PMID: 11536077; PMID: 21268679; PMID: 17693388). Functional evidence supports a deleterious effect on the gene or gene product (PMID: 24148654; PMID: 24676353; PMID: 11536077; PMID: 21268679; PMID: 17693388). This variant has been recurrently observed in individuals with related phenotype (PMID: 24148654; PMID: 24676353; PMID: 11536077; PMID: 21268679; PMID: 17693388). Multiple computational predictions support a deleterious effect on the gene or gene product. The variant is present at low frequency in population datasets. Based on the available data, this variant is classified as pathogenic.

Blueprint Genetics
Classification: Pathogenic for CNGA3-related disorders. Last evaluated: 2024-11-21. Review status: criteria provided, single submitter. Criteria: ACMG Guidelines, 2015. Collection method: clinical testing. Allele origin: germline. Affected: yes. Observed: 5 variant alleles.

Labcorp Genetics (formerly Invitae), Labcorp
Classification: Pathogenic. Last evaluated: 2024-10-09. Review status: criteria provided, single submitter. Criteria: Invitae Variant Classification Sherloc (09022015). Collection method: clinical testing. Allele origin: germline.
Comment: This sequence change replaces threonine, which is neutral and polar, with methionine, which is neutral and non-polar, at codon 565 of the CNGA3 protein (p.Thr565Met). This variant is present in population databases (rs201747279, gnomAD 0.03%). This missense change has been observed in individual(s) with achromatopsia (PMID: 11536077, 15712225, 21268679, 24148654, 24676353). In at least one individual the data is consistent with being in trans (on the opposite chromosome) from a pathogenic variant. ClinVar contains an entry for this variant (Variation ID: 867082). Invitae Evidence Modeling of protein sequence and biophysical properties (such as structural, functional, and spatial information, amino acid conservation, physicochemical variation, residue mobility, and thermodynamic stability) indicates that this missense variant is expected to disrupt CNGA3 protein function with a positive predictive value of 95%. Experimental studies have shown that this missense change affects CNGA3 function (PMID: 17693388). For these reasons, this variant has been classified as Pathogenic.

GeneDx
Classification: Pathogenic. Last evaluated: 2023-01-26. Review status: criteria provided, single submitter. Criteria: GeneDx Variant Classification Process June 2021. Collection method: clinical testing. Allele origin: germline. Affected: yes.
Comment: Published functional studies demonstrate a damaging effect with altered apparent affinity for cGMP (Muraki-Oda et al., 2007); In silico analysis, which includes protein predictors and evolutionary conservation, supports a deleterious effect; This variant is associated with the following publications: (PMID: 20079539, 11536077, 21268679, 34426522, 35332618, 31963381, 32531858, 24148654, 24676353, 17693388)

Fulgent Genetics
Classification: Pathogenic for Achromatopsia 2. Last evaluated: 2022-03-08. Review status: criteria provided, single submitter. Criteria: ACMG Guidelines, 2015. Collection method: clinical testing. Allele origin: unknown.

Institute of Medical Genetics and Applied Genomics, University Hospital Tübingen
Classification: Pathogenic. Last evaluated: 2020-10-23. Review status: criteria provided, single submitter. Criteria: ACMG Guidelines, 2015. Collection method: clinical testing. Allele origin: germline. Inheritance: Autosomal recessive inheritance. Affected: yes.

Institute of Human Genetics, Univ. Regensburg, Univ. Regensburg
Classification: Pathogenic for Retinal dystrophy. Last evaluated: 2020-01-01. Review status: criteria provided, single submitter. Criteria: ACMG Guidelines, 2015. Collection method: clinical testing. Allele origin: germline. Affected: yes.

CeGaT Center for Human Genetics Tuebingen
Classification: Pathogenic. Last evaluated: 2018-10-01. Review status: criteria provided, single submitter. Criteria: CeGaT Center For Human Genetics Tuebingen Variant Classification Criteria Version 2. Collection method: clinical testing. Allele origin: germline. Affected: yes. Observed: 1 variant allele.

Literature cited by the submitters: PubMed 24148654 (cited by Dasa and Labcorp Genetics (formerly Invitae), Labcorp); PubMed 24676353 (cited by 3 submitters); PubMed 11536077 (cited by 3 submitters); PubMed 21268679 (cited by 3 submitters); PubMed 17693388 (cited by 3 submitters); PubMed 15712225 (cited by Labcorp Genetics (formerly Invitae), Labcorp); PubMed 20079539 (cited by Institute of Human Genetics, Univ. Regensburg, Univ. Regensburg); PubMed 31964843 (cited by Institute of Human Genetics, Univ. Regensburg, Univ. Regensburg); PubMed 32531858 (cited by Institute of Human Genetics, Univ. Regensburg, Univ. Regensburg); PubMed 31963381 (cited by Institute of Human Genetics, Univ. Regensburg, Univ. Regensburg); PubMed 34426522 (cited by Institute of Human Genetics, Univ. Regensburg, Univ. Regensburg).

NM_001298.3(CNGA3):c.1694C>T (p.Thr565Met)

Gene: CNGA3 (cyclic nucleotide gated channel subunit alpha 3; plus strand). Cytogenetic location: 2q11.2.
Variant type: single nucleotide variant.
Coding change: c.1694C>T on transcript NM_001298.3 (MANE Select); coding-DNA position 1694, C replaced by T.
Protein change: p.Thr565Met; replaces threonine 565 with methionine.
Molecular consequence: missense variant.
Genome position (GRCh38, 1-based): chr2:98,396,864, C>T. VCF-style: chr2-98396864-C-T. GRCh37 (hg19) VCF-style: chr2-99013327-C-T.
Other names: c.1640C>T, p.Thr547Met (NM_001079878.2); short protein forms T565M, T547M.
Identifiers: ClinVar variation 867082 (VCV000867082.63), dbSNP rs201747279, ClinGen allele CA1794070.
Genomic context (GRCh38, chr2:98,396,864, plus strand): 5'-GCTACTTCGGGGAGATCAGCATTCTGAACATCAAGGGGAGCAAGTCGGGGAACCGCAGGA[C>T]GGCCAACATCCGCAGCATTGGCTACTCAGACCTGTTCTGCCTCTCAAAGGACGATCTCAT-3'
Protein context (NP_001289.1, residues 555-575): IKGSKSGNRR[Thr565Met]ANIRSIGYSD